The following is an entry in ClinVar:

ClinVar aggregate classification (germline): Uncertain significance (1 of 4 stars; one submission).

Submission:

GeneDx
Classification: Uncertain significance. Last evaluated: 2022-06-03. Review status: criteria provided, single submitter. Criteria: GeneDx Variant Classification Process June 2021. Collection method: clinical testing. Allele origin: germline. Affected: yes.
Comment: Not observed at significant frequency in large population cohorts (gnomAD); In silico analysis supports that this missense variant does not alter protein structure/function; Has not been previously published as pathogenic or benign to our knowledge

NM_001244926.2(PRPF4):c.235A>G (p.Ser79Gly)

Gene: PRPF4 (pre-mRNA splicing tri-snRNP complex factor PRPF4; plus strand). Cytogenetic location: 9q32.
Variant type: single nucleotide variant.
Coding change: c.235A>G on transcript NM_001244926.2 (MANE Select); coding-DNA position 235, A replaced by G.
Protein change: p.Ser79Gly; replaces serine 79 with glycine.
Molecular consequence: missense variant. On other transcripts: 5 prime UTR variant (2), non-coding transcript variant (2).
Genome position (GRCh38, 1-based): chr9:113,278,974, A>G. VCF-style: chr9-113278974-A-G. GRCh37 (hg19) VCF-style: chr9-116041254-A-G.
Other names: c.-531A>G (NM_001322266.2, NM_001322267.2); c.238A>G, p.Ser80Gly (NM_004697.5); short protein forms S79G, S80G.
Identifiers: ClinVar variation 1802048 (VCV001802048.1), dbSNP rs2490794067, ClinGen allele CA374551900.
Genomic context (GRCh38, chr9:113,278,974, plus strand): 5'-CTGCTGATGTTGCCTGTTTTCTTTTTAATAGGAGAAGTGTTTGAAATTGAAGAGCATATC[A>G]GCGAGCGACAGGCAGAAGTATTGGCTGAGTTTGAGAGAAGGAAGCGAGCCCGGCAGATCA-3'
Protein context (NP_001231855.1, residues 69-89): GEVFEIEEHI[Ser79Gly]ERQAEVLAEF